The following is an entry in ClinVar:

ClinVar aggregate classification (germline): Likely benign (1 of 4 stars; one submission).

gnomAD v4.1: 69 of 433,852 alleles (0.016%); highest among the groups gnomAD compares: South Asian, 0.09%; no homozygotes.

Submission:

CeGaT Center for Human Genetics Tuebingen
Classification: Likely benign. Last evaluated: 2026-07-01. Review status: criteria provided, single submitter. Criteria: CeGaT Center For Human Genetics Tuebingen Variant Classification Criteria Version 2. Collection method: clinical testing. Allele origin: germline. Affected: yes. Observed: 2 variant alleles.
Comment: ADARB1: BP4, BP7

NM_001112.4(ADARB1):c.-47-18996G>A

Gene: ADARB1 (adenosine deaminase RNA specific B1; plus strand). Cytogenetic location: 21q22.3.
Variant type: single nucleotide variant.
Coding change: c.-47-18996G>A on transcript NM_001112.4 (MANE Select); 18996 bases into the intron before 47 bases upstream of the start codon, G replaced by A.
Molecular consequence: intron variant. On other transcripts: synonymous variant (2).
Genome position (GRCh38, 1-based): chr21:45,152,614, G>A. VCF-style: chr21-45152614-G-A. GRCh37 (hg19) VCF-style: chr21-46572529-G-A.
Other names: c.6G>A, p.Ala2= (NM_001346687.2, NM_001410722.1); c.-47-18996G>A (NM_015833.4, NM_015834.4, NM_001160230.2 and 1 more transcripts).
Identifiers: ClinVar variation 4821511 (VCV004821511.4).